The following is an entry in ClinVar:

ClinVar aggregate classification (germline): Uncertain significance (1 of 4 stars; one submission).

Conditions:
Muscular dystrophy, limb-girdle, autosomal recessive 27. Identifiers: MedGen C5562002, MONDO:0030456, OMIM 619566.

Submission:

Harry Perkins Institute Of Medical Research, University Of Western Australia
Classification: Uncertain significance for Muscular dystrophy, limb-girdle, autosomal recessive 27. Last evaluated: 2024-05-06. Review status: criteria provided, single submitter. Criteria: ACMG Guidelines, 2015. Collection method: research. Allele origin: inherited. Affected: yes. Observed: 1 variant allele.

NM_002226.5(JAG2):c.703T>C (p.Trp235Arg)

Gene: JAG2 (jagged canonical Notch ligand 2; minus strand). Cytogenetic location: 14q32.33.
Variant type: single nucleotide variant.
Coding change: c.703T>C on transcript NM_002226.5 (MANE Select); coding-DNA position 703, T replaced by C.
Protein change: p.Trp235Arg; replaces tryptophan 235 with arginine.
Molecular consequence: missense variant.
Genome position (GRCh38, 1-based): chr14:105,155,762, A>G on the plus strand (T>C on the coding strand, the complement: JAG2 is on the minus strand). VCF-style: chr14-105155762-A-G. GRCh37 (hg19) VCF-style: chr14-105622099-A-G.
Other names: c.703T>C, p.Trp235Arg (NM_145159.3); short protein forms W235R.
Identifiers: ClinVar variation 3235095 (VCV003235095.2), dbSNP rs2542890496, ClinGen allele CA391275810.
Genomic context (GRCh38, chr14:105,155,762, plus strand): 5'-CTCCCTGCCCTCCACGCAGCCCAGCGGCCCCCTCACCTTCCTTGCACTCCTTGCCCATCC[A>G]GCCGTCCATGCAGGCCTTGTTGCCGTACTGGTCGCAGGTGTAGTGGCCGAAAAAGTCGTT-3'
Protein context (NP_002217.3, residues 225-245): QYGNKACMDG[Trp235Arg]MGKECKEAVC